The following is an entry in ClinVar:

ClinVar aggregate classification (germline): Uncertain significance (1 of 4 stars; one submission).

Conditions:
X-linked Emery-Dreifuss muscular dystrophy. Also called: Muscular dystrophy, tardive Emery-Dreifuss type, with contractures. Identifiers: Orphanet 261, Orphanet 98863, MedGen C0751337, MONDO:0010680.

Submission:

Labcorp Genetics (formerly Invitae), Labcorp
Classification: Uncertain significance for X-linked Emery-Dreifuss muscular dystrophy. Last evaluated: 2024-08-19. Review status: criteria provided, single submitter. Criteria: Invitae Variant Classification Sherloc (09022015). Collection method: clinical testing. Allele origin: germline.
Comment: This variant, c.550_552del, results in the deletion of 1 amino acid(s) of the EMD protein (p.Thr184del), but otherwise preserves the integrity of the reading frame. This variant is not present in population databases (gnomAD no frequency). This variant has not been reported in the literature in individuals affected with EMD-related conditions. Experimental studies and prediction algorithms are not available or were not evaluated, and the functional significance of this variant is currently unknown. In summary, the available evidence is currently insufficient to determine the role of this variant in disease. Therefore, it has been classified as a Variant of Uncertain Significance.

NM_000117.3(EMD):c.550_552del (p.Thr184del)

Gene: EMD (emerin; plus strand). Cytogenetic location: Xq28.
Variant type: Deletion.
Coding change: c.550_552del on transcript NM_000117.3 (MANE Select); coding-DNA positions 550 to 552, 3 bases deleted (ACT; older notation c.550_552delACT).
Protein change: p.Thr184del; deletes threonine 184.
Molecular consequence: inframe deletion.
Genome position (GRCh38, 1-based): chrX:154,380,982-154,380,984, ACT deleted; deleting any 3 consecutive bases within chrX:154,380,980-154,380,984 gives the same sequence; the c. name uses the placement nearest the transcript's 3' end. VCF-style (leftmost placement, unchanged base first): chrX-154380979-CCTA-C. GRCh37 (hg19) VCF-style: chrX-153609339-CCTA-C.
Other names: short protein forms T184del.
Identifiers: ClinVar variation 2899430 (VCV002899430.3), dbSNP rs2067884621, ClinGen allele CA1138576646.